The following is an entry in ClinVar:

NM_017739.4(POMGNT1):c.1906C>T (p.Pro636Ser)

Genes: POMGNT1 (protein O-linked mannose N-acetylglucosaminyltransferase 1 (beta 1,2-); minus strand), TSPAN1 (tetraspanin 1; plus strand). Cytogenetic location: 1p34.1.
Variant type: single nucleotide variant.
Coding change: c.1906C>T on transcript NM_017739.4 (MANE Select); coding-DNA position 1906, C replaced by T.
Protein change: p.Pro636Ser; replaces proline 636 with serine.
Molecular consequence: missense variant. On other transcripts: intron variant (1).
Genome position (GRCh38, 1-based): chr1:46,189,347, G>A on the plus strand (C>T on the coding strand, the complement: POMGNT1 is on the minus strand). VCF-style: chr1-46189347-G-A. GRCh37 (hg19) VCF-style: chr1-46655019-G-A.
Other names: c.1906C>T (NM_017739.3); c.1880C>T, p.Ala627Val (NM_001243766.2); c.1840C>T, p.Pro614Ser (NM_001290129.3); c.1477C>T, p.Pro493Ser (NM_001290130.2); c.1895+111C>T (NM_001410783.1); short protein forms P636S, A627V, P493S, P614S.
Identifiers: ClinVar variation 1519300 (VCV001519300.6), dbSNP rs771922809, ClinGen allele CA340170538.

ClinVar aggregate classification (germline): Uncertain significance. Review status: criteria provided, multiple submitters, no conflicts (2 of 4 stars). 2 submissions from 2 submitters: Uncertain significance (2). Last evaluated 2025-11-20.

Conditions:
Autosomal recessive limb-girdle muscular dystrophy type 2O. Also called: Limb-Girdle Muscular Dystrophy Type 3C; MUSCULAR DYSTROPHY-DYSTROGLYCANOPATHY (LIMB-GIRDLE), TYPE C, 3; MUSCULAR DYSTROPHY-DYSTROGLYCANOPATHY, LIMB-GIRDLE, POMGNT1-RELATED. Identifiers: Orphanet 206564, MedGen C3150417, MONDO:0013161, OMIM 613157.
Muscular dystrophy-dystroglycanopathy (congenital with impaired intellectual development), type B, 3. Also called: Muscular dystrophy-dystroglycanopathy (congenital with intellectual disability), type B3; MUSCULAR DYSTROPHY, CONGENITAL, POMGNT1-RELATED. Identifiers: MedGen C3150412, MONDO:0013155, OMIM 613151.
Inborn genetic diseases. Identifiers: MedGen C0950123, MeSH D030342.

Allele frequency attached by ClinVar (database versions not stated): gnomAD 0.00001.
gnomAD v4.1: 2 of 1,613,756 alleles (0.00012%); highest among the groups gnomAD compares: Admixed American, 0.0017%; no homozygotes.

Submissions (2):

Ambry Genetics
Classification: Uncertain significance for Inborn genetic diseases. Last evaluated: 2025-11-20. Review status: criteria provided, single submitter. Criteria: Ambry Variant Classification Scheme 2023. Collection method: clinical testing. Allele origin: germline.

Labcorp Genetics (formerly Invitae), Labcorp
Classification: Uncertain significance for Autosomal recessive limb-girdle muscular dystrophy type 2O; Muscular dystrophy-dystroglycanopathy (congenital with impaired intellectual development), type B, 3. Last evaluated: 2021-08-30. Review status: criteria provided, single submitter. Criteria: Invitae Variant Classification Sherloc (09022015). Collection method: clinical testing. Allele origin: germline.
Comment: This sequence change replaces proline with serine at codon 636 of the POMGNT1 protein (p.Pro636Ser). The proline residue is highly conserved and there is a moderate physicochemical difference between proline and serine. This variant is not present in population databases (ExAC no frequency). This variant has not been reported in the literature in individuals affected with POMGNT1-related conditions. Advanced modeling of protein sequence and biophysical properties (such as structural, functional, and spatial information, amino acid conservation, physicochemical variation, residue mobility, and thermodynamic stability) performed at Invitae indicates that this missense variant is not expected to disrupt POMGNT1 protein function. In summary, the available evidence is currently insufficient to determine the role of this variant in disease. Therefore, it has been classified as a Variant of Uncertain Significance.